The following is an entry in ClinVar:

ClinVar aggregate classification (germline): Pathogenic (1 of 4 stars; one submission).

Conditions:
3-hydroxyisobutyryl-CoA hydrolase deficiency. Also called: HIBCH DEFICIENCY; METHACRYLIC ACID TOXICITY; METHACRYLIC ACIDURIA; VALINE METABOLIC DEFECT; Reduced circulating 3-hydroxyisobutyryl-CoA hydrolase activity; Deficiency of 3-hydroxyisobutyryl CoA hydrolase. Identifiers: Orphanet 88639, MedGen C0342738, MONDO:0009603, OMIM 250620, HP:6000215.

Submission:

Women's Health and Genetics/Laboratory Corporation of America, LabCorp
Classification: Pathogenic for 3-hydroxyisobutyryl-CoA hydrolase deficiency. Last evaluated: 2026-06-03. Review status: criteria provided, single submitter. Criteria: LabCorp Variant Classification Summary - May 2015. Collection method: clinical testing. Allele origin: germline.
Comment: Variant summary: HIBCH c.95_96delCA (p.Thr32ArgfsX31) results in a premature termination codon, predicted to cause a truncation of the encoded protein or absence of the protein due to nonsense mediated decay, which are commonly known mechanisms for disease. The variant was absent in 251324 control chromosomes. To our knowledge, no occurrence of c.95_96delCA in individuals affected with HIBCH-related conditions and no experimental evidence demonstrating its impact on protein function have been reported. No submitters have cited clinical-significance assessments for this variant to ClinVar. Based on the evidence outlined above, the variant was classified as pathogenic.

NM_014362.4(HIBCH):c.95_96del (p.Thr32fs)

Gene: HIBCH (3-hydroxyisobutyryl-CoA hydrolase; minus strand). Cytogenetic location: 2q32.2.
Variant type: Microsatellite.
Coding change: c.95_96del on transcript NM_014362.4 (MANE Select); coding-DNA positions 95 to 96, 2 bases deleted (CA; older notation c.95_96delCA).
Protein change: p.Thr32fs; shifts the reading frame from threonine 32.
Molecular consequence: frameshift variant.
Genome position (GRCh38, 1-based): chr2:190,296,936-190,296,937, TG deleted on the plus strand (CA on the coding strand, the reverse complement: HIBCH is on the minus strand); deleting any 2 consecutive bases within chr2:190,296,936-190,296,941 gives the same sequence; the c. name uses the placement nearest the transcript's 3' end. VCF-style (leftmost placement, unchanged base first): chr2-190296935-CTG-C. GRCh37 (hg19) VCF-style: chr2-191161661-CTG-C.
Other names: c.95_96delCA (NM_014362.4); c.95_96del, p.Thr32fs (NM_198047.3); short protein forms T32fs.
Identifiers: ClinVar variation 4887558 (VCV004887558.1).
Genomic context (GRCh38, chr2:190,296,935, plus strand): 5'-TGTTTAGTGTTATGACTCCCGTGCAACCTTTTTTTTCCAATAGCACCTCTTCTGCTGCAT[CTG>C]TGTGCTTGGACATTCTCTGTATAAACAAAGAATAACTTTATGACAAAATTTCTTAAGTTT-3'